The following is an entry in ClinVar:

NM_007194.4(CHEK2):c.792+1G>A

Gene: CHEK2 (checkpoint kinase 2; minus strand). Cytogenetic location: 22q12.1.
Variant type: single nucleotide variant.
Coding change: c.792+1G>A on transcript NM_007194.4 (MANE Select); the canonical splice donor site of the intron after coding-DNA position 792, G replaced by A.
Molecular consequence: splice donor variant.
Genome position (GRCh38, 1-based): chr22:28,711,908, C>T on the plus strand (G>A on the coding strand, the complement: CHEK2 is on the minus strand). VCF-style: chr22-28711908-C-T. GRCh37 (hg19) VCF-style: chr22-29107896-C-T.
Other names: c.129+1G>A (NM_001437942.1, NM_001257387.3); c.591+1G>A (NM_001349956.3); c.792+1G>A (NM_145862.3); c.885+1G>A (NM_001438295.1, NM_001438293.1); c.921+1G>A (NM_001438294.1, NM_001005735.3).
Identifiers: ClinVar variation 491638 (VCV000491638.37), dbSNP rs1555921011, ClinGen allele CA411103030.
Genomic context (GRCh38, chr22:28,711,908, plus strand): 5'-TATTTTGGGAAGTTATGAAGACGTGTTAATAAAAGGTGATCAGCCTTTTATTGGTACTTA[C>T]TGCCTCTCTTGCTGAACCAATAGCAAACTTCCTTTTGCTGATGATCTTTATGGCTACTTT-3'

ClinVar aggregate classification (germline): Likely pathogenic. Review status: criteria provided, multiple submitters, no conflicts (2 of 4 stars). 5 submissions from 5 submitters: Likely pathogenic (4). 1 of the submissions does not count toward it. Last evaluated 2024-08-01.

Conditions:
Gastric cancer. Also called: Stomach cancer; Malignant tumor of stomach. Identifiers: MedGen C0024623, MeSH D013274, MONDO:0001056, OMIM 613659, HP:0012126.
Hereditary cancer-predisposing syndrome. Also called: Tumor predisposition; Hereditary neoplastic syndrome; Hereditary Cancer Syndrome; Neoplastic Syndromes, Hereditary. Identifiers: Orphanet 140162, MedGen C0027672, MeSH D009386, MONDO:0015356.
Familial cancer of breast. Also called: hereditary breast carcinoma; BREAST CANCER, FAMILIAL; Hereditary breast cancer. Identifiers: Orphanet 227535, MedGen C0346153, MONDO:0016419, OMIM 114480. Disease mechanism: loss of function.

Submissions (5):

Ambry Genetics
Classification: Likely pathogenic for Hereditary cancer-predisposing syndrome. Last evaluated: 2024-08-01. Review status: criteria provided, single submitter. Criteria: Ambry Variant Classification Scheme 2023. Collection method: clinical testing. Allele origin: germline.
Comment: The c.792+1G>A intronic variant results from a G to A substitution one nucleotide after coding exon 5 of the CHEK2 gene. This variant is considered to be rare based on population cohorts in the Genome Aggregation Database (gnomAD). This nucleotide position is highly conserved in available vertebrate species. In silico splice site analysis predicts that this alteration will weaken the native splice donor site. Alterations that disrupt the canonical splice site are expected to cause aberrant splicing, resulting in an abnormal protein or a transcript that is subject to nonsense-mediated mRNA decay. As such, this alteration is classified as likely pathogenic.

Myriad Genetics, Inc.
Classification: Likely pathogenic for Familial cancer of breast. Last evaluated: 2023-06-27. Review status: criteria provided, single submitter. Criteria: Myriad Autosomal Dominant, Autosomal Recessive and X-Linked Classification Criteria (2023). Collection method: clinical testing. Allele origin: unknown.
Comment: This variant is considered likely pathogenic. This variant occurs within a consensus splice junction and is predicted to result in abnormal mRNA splicing of either an out-of-frame exon or an in-frame exon necessary for protein stability and/or normal function.

Labcorp Genetics (formerly Invitae), Labcorp
Classification: Likely pathogenic for Familial cancer of breast. Last evaluated: 2021-10-09. Review status: criteria provided, single submitter. Criteria: Invitae Variant Classification Sherloc (09022015). Collection method: clinical testing. Allele origin: germline.
Comment: In summary, the currently available evidence indicates that the variant is pathogenic, but additional data are needed to prove that conclusively. Therefore, this variant has been classified as Likely Pathogenic. Algorithms developed to predict the effect of sequence changes on RNA splicing suggest that this variant may disrupt the consensus splice site. ClinVar contains an entry for this variant (Variation ID: 491638). Disruption of this splice site has been observed in individual(s) with breast cancer (PMID: 22114986). This variant is not present in population databases (ExAC no frequency). This sequence change affects a donor splice site in intron 6 of the CHEK2 gene. It is expected to disrupt RNA splicing. Variants that disrupt the donor or acceptor splice site typically lead to a loss of protein function (PMID: 16199547), and loss-of-function variants in CHEK2 are known to be pathogenic (PMID: 21876083, 24713400).

Color Diagnostics, LLC DBA Color Health
Classification: Likely pathogenic for Hereditary cancer-predisposing syndrome. Last evaluated: 2021-06-07. Review status: criteria provided, single submitter. Criteria: ACMG Guidelines, 2015. Collection method: clinical testing. Allele origin: germline.
Comment: This variant causes a G to A nucleotide substitution at the +1 position of intron 6 of the CHEK2 gene. Splice site prediction tools predict that this variant may have a significant impact on RNA splicing. To our knowledge, functional studies have not been reported for this variant. This variant has not been reported in individuals affected with hereditary cancer in the literature. This variant has not been identified in the general population by the Genome Aggregation Database (gnomAD). Loss of CHEK2 function is a known mechanism of disease. Based on the available evidence, this variant is classified as Likely Pathogenic.

Laboratory for Genotyping Development, RIKEN
Classification: Pathogenic for Gastric cancer. Last evaluated: 2021-07-01. Review status: no assertion criteria provided. Collection method: research. Allele origin: germline. Not counted in ClinVar's aggregate classification.

Literature cited by the submitters: PubMed 22114986 (cited by Labcorp Genetics (formerly Invitae), Labcorp); PubMed 16199547 (cited by Labcorp Genetics (formerly Invitae), Labcorp); PubMed 21876083 (cited by Labcorp Genetics (formerly Invitae), Labcorp); PubMed 24713400 (cited by Labcorp Genetics (formerly Invitae), Labcorp); PubMed 36988593 (cited by Laboratory for Genotyping Development, RIKEN).